The following is an entry in ClinVar:

ClinVar aggregate classification (germline): Uncertain significance. Review status: criteria provided, multiple submitters, no conflicts (2 of 4 stars). 2 submissions from 2 submitters: Uncertain significance (2). Last evaluated 2022-08-08.

Submissions (2):

GeneDx
Classification: Uncertain significance. Last evaluated: 2022-08-08. Review status: criteria provided, single submitter. Criteria: GeneDx Variant Classification Process June 2021. Collection method: clinical testing. Allele origin: germline. Affected: yes.
Comment: Not observed at significant frequency in large population cohorts (gnomAD); In silico analysis supports that this missense variant has a deleterious effect on protein structure/function; Has not been previously published as pathogenic or benign to our knowledge

Labcorp Genetics (formerly Invitae), Labcorp
Classification: Uncertain significance. Last evaluated: 2022-04-13. Review status: criteria provided, single submitter. Criteria: Invitae Variant Classification Sherloc (09022015). Collection method: clinical testing. Allele origin: germline.
Comment: This variant has not been reported in the literature in individuals affected with TRRAP-related conditions. In summary, the available evidence is currently insufficient to determine the role of this variant in disease. Therefore, it has been classified as a Variant of Uncertain Significance. Algorithms developed to predict the effect of missense changes on protein structure and function (SIFT, PolyPhen-2, Align-GVGD) all suggest that this variant is likely to be tolerated. This variant is not present in population databases (gnomAD no frequency). This sequence change replaces lysine, which is basic and polar, with arginine, which is basic and polar, at codon 404 of the TRRAP protein (p.Lys404Arg).

NM_001375524.1(TRRAP):c.1211A>G (p.Lys404Arg)

Gene: TRRAP (transformation/transcription domain associated protein; plus strand). Cytogenetic location: 7q22.1.
Variant type: single nucleotide variant.
Coding change: c.1211A>G on transcript NM_001375524.1 (MANE Select); coding-DNA position 1211, A replaced by G.
Protein change: p.Lys404Arg; replaces lysine 404 with arginine.
Molecular consequence: missense variant.
Genome position (GRCh38, 1-based): chr7:98,908,823, A>G. VCF-style: chr7-98908823-A-G. GRCh37 (hg19) VCF-style: chr7-98506446-A-G.
Other names: c.1211A>G (NM_003496.3); c.1211A>G, p.Lys404Arg (NM_001244580.2, NM_003496.4); short protein forms K404R.
Identifiers: ClinVar variation 2126070 (VCV002126070.5), dbSNP rs1554407978, ClinGen allele CA368283811.